The following is an entry in ClinVar:

ClinVar aggregate classification (germline): Uncertain significance. Review status: criteria provided, multiple submitters, no conflicts (2 of 4 stars). 2 submissions from 2 submitters: Uncertain significance (2). Last evaluated 2025-10-07.

Conditions:
Inborn genetic diseases. Identifiers: MedGen C0950123, MeSH D030342.
Dyskeratosis congenita. Identifiers: Orphanet 1775, MedGen C0265965, MONDO:0015780.

Allele frequency attached by ClinVar (database versions not stated): gnomAD exomes 0.00001; TOPMed 0.00002.
gnomAD v4.1: 15 of 1,613,984 alleles (0.00093%); highest among the groups gnomAD compares: Non-Finnish European, 0.001%; no homozygotes.

Submissions (2):

Ambry Genetics
Classification: Uncertain significance for Inborn genetic diseases. Last evaluated: 2025-10-07. Review status: criteria provided, single submitter. Criteria: Ambry Variant Classification Scheme 2023. Collection method: clinical testing. Allele origin: germline.

Labcorp Genetics (formerly Invitae), Labcorp
Classification: Uncertain significance for Dyskeratosis congenita. Last evaluated: 2022-02-11. Review status: criteria provided, single submitter. Criteria: Invitae Variant Classification Sherloc (09022015). Collection method: clinical testing. Allele origin: germline.
Comment: This sequence change replaces serine, which is neutral and polar, with phenylalanine, which is neutral and non-polar, at codon 1207 of the CTC1 protein (p.Ser1207Phe). This variant is present in population databases (no rsID available, gnomAD 0.002%). This variant has not been reported in the literature in individuals affected with CTC1-related conditions. ClinVar contains an entry for this variant (Variation ID: 858129). Algorithms developed to predict the effect of missense changes on protein structure and function are either unavailable or do not agree on the potential impact of this missense change (SIFT: "Deleterious"; PolyPhen-2: "Benign"; Align-GVGD: "Class C15"). In summary, the available evidence is currently insufficient to determine the role of this variant in disease. Therefore, it has been classified as a Variant of Uncertain Significance.

NM_025099.6(CTC1):c.3620C>T (p.Ser1207Phe)

Gene: CTC1 (CST telomere replication complex component 1; minus strand). Cytogenetic location: 17p13.1.
Variant type: single nucleotide variant.
Coding change: c.3620C>T on transcript NM_025099.6 (MANE Select); coding-DNA position 3620, C replaced by T.
Protein change: p.Ser1207Phe; replaces serine 1207 with phenylalanine.
Molecular consequence: missense variant. On other transcripts: non-coding transcript variant (1).
Genome position (GRCh38, 1-based): chr17:8,228,214, G>A on the plus strand (C>T on the coding strand, the complement: CTC1 is on the minus strand). VCF-style: chr17-8228214-G-A. GRCh37 (hg19) VCF-style: chr17-8131532-G-A.
Other names: short protein forms S1207F.
Identifiers: ClinVar variation 858129 (VCV000858129.8), dbSNP rs892408695, ClinGen allele CA287529146.